The following is an entry in ClinVar:

NM_025225.3(PNPLA3):c.1112+14G>A

Gene: PNPLA3 (patatin like domain 3, 1-acylglycerol-3-phosphate O-acyltransferase; plus strand). Cytogenetic location: 22q13.31.
Variant type: single nucleotide variant.
Coding change: c.1112+14G>A on transcript NM_025225.3 (MANE Select); 14 bases into the intron after coding-DNA position 1112, G replaced by A.
Molecular consequence: intron variant.
Genome position (GRCh38, 1-based): chr22:43,940,139, G>A. VCF-style: chr22-43940139-G-A. GRCh37 (hg19) VCF-style: chr22-44336019-G-A.
Identifiers: ClinVar variation 341941 (VCV000341941.5), dbSNP rs138736228, ClinGen allele CA10278161.

ClinVar aggregate classification (germline): Likely benign (1 of 4 stars; one submission).

Conditions:
NAFLD1 (FLD1). Also called: FATTY LIVER DISEASE, SUSCEPTIBILITY TO, 1; Fatty liver disease, nonalcoholic 1. Identifiers: MedGen C2750440, MONDO:0021105, OMIM 613282.

Allele frequency attached by ClinVar (database versions not stated): gnomAD 0.00005 and 0.00032; TOPMed 0.00009; 1000 Genomes Project 30x 0.00078; 1000 Genomes Project 0.00100.
gnomAD v4.1: 852 of 1,611,980 alleles (0.053%); highest among the groups gnomAD compares: South Asian, 0.79%; 17 homozygotes.

Submission:

Illumina Laboratory Services, Illumina
Classification: Likely benign for NAFLD1. Last evaluated: 2018-01-12. Review status: criteria provided, single submitter. Criteria: ICSL Variant Classification Criteria 13 December 2019. Collection method: clinical testing. Allele origin: germline.
Comment: This variant was observed in the ICSL laboratory as part of a predisposition screen in an ostensibly healthy population. It had not been previously curated by ICSL or reported in the Human Gene Mutation Database (HGMD: prior to June 1st, 2018), and was therefore a candidate for classification through an automated scoring system. Utilizing variant allele frequency, disease prevalence and penetrance estimates, and inheritance mode, an automated score was calculated to assess if this variant is too frequent to cause the disease. Based on the score and internal cut-off values, a variant classified as likely benign is not then subjected to further curation. The score for this variant resulted in a classification of likely benign for this disease.